The following is an entry in ClinVar:

ClinVar aggregate classification (germline): Likely benign. Review status: criteria provided, multiple submitters, no conflicts (2 of 4 stars). 4 submissions from 4 submitters: Likely benign (4). Last evaluated 2025-12-16.

Allele frequency attached by ClinVar (database versions not stated): ESP Exome Variant Server 0.00008; gnomAD exomes 0.00023 and 0.00056; ExAC 0.00033; TOPMed 0.00061; gnomAD 0.00063.
gnomAD v4.1: 444 of 1,613,228 alleles (0.028%); highest among the groups gnomAD compares: Admixed American, 0.22%; 2 homozygotes.

Submissions (4):

Labcorp Genetics (formerly Invitae), Labcorp
Classification: Likely benign. Last evaluated: 2025-12-16. Review status: criteria provided, single submitter. Criteria: Invitae Variant Classification Sherloc (09022015). Collection method: clinical testing. Allele origin: germline.

CeGaT Center for Human Genetics Tuebingen
Classification: Likely benign. Last evaluated: 2025-07-01. Review status: criteria provided, single submitter. Criteria: CeGaT Center For Human Genetics Tuebingen Variant Classification Criteria Version 2. Collection method: clinical testing. Allele origin: germline. Affected: yes. Observed: 2 variant alleles.
Comment: LAMC3: BP4, BS2

Blueprint Genetics
Classification: Likely benign. Last evaluated: 2024-06-13. Review status: criteria provided, single submitter. Criteria: ACMG Guidelines, 2015. Collection method: clinical testing. Allele origin: germline.

GeneDx
Classification: Likely benign. Last evaluated: 2019-12-09. Review status: criteria provided, single submitter. Criteria: GeneDx Variant Classification Process June 2021. Collection method: clinical testing. Allele origin: germline. Affected: yes.

NM_006059.4(LAMC3):c.3489C>A (p.Ala1163=)

Gene: LAMC3 (laminin subunit gamma 3; plus strand). Cytogenetic location: 9q34.12.
Variant type: single nucleotide variant.
Coding change: c.3489C>A on transcript NM_006059.4 (MANE Select); coding-DNA position 3489, C replaced by A.
Protein change: p.Ala1163=; no amino-acid change (alanine 1163 retained).
Molecular consequence: synonymous variant.
Genome position (GRCh38, 1-based): chr9:131,073,316, C>A. VCF-style: chr9-131073316-C-A. GRCh37 (hg19) VCF-style: chr9-133948703-C-A.
Identifiers: ClinVar variation 725481 (VCV000725481.35), dbSNP rs200253736, ClinGen allele CA5287806.